The following is an entry in ClinVar:

NM_014140.4(SMARCAL1):c.1534G>A (p.Val512Met)

Gene: SMARCAL1 (SNF2 related chromatin remodeling annealing helicase 1; plus strand). Cytogenetic location: 2q35.
Variant type: single nucleotide variant.
Coding change: c.1534G>A on transcript NM_014140.4 (MANE Select); coding-DNA position 1534, G replaced by A.
Protein change: p.Val512Met; replaces valine 512 with methionine.
Molecular consequence: missense variant.
Genome position (GRCh38, 1-based): chr2:216,435,386, G>A. VCF-style: chr2-216435386-G-A. GRCh37 (hg19) VCF-style: chr2-217300109-G-A.
Other names: c.1534G>A, p.Val512Met (NM_001127207.2); short protein forms V512M.
Identifiers: ClinVar variation 790935 (VCV000790935.17), dbSNP rs35087810, ClinGen allele CA2097918.

ClinVar aggregate classification (germline): Conflicting classifications of pathogenicity. Review status: criteria provided, conflicting classifications (1 of 4 stars). 6 submissions from 6 submitters: Uncertain significance (1); Benign (2); Likely benign (2). 1 of the submissions does not count toward it. Last evaluated 2026-07-01.

Conditions:
Schimke immuno-osseous dysplasia (SIOD). Also called: Schimke Immunoosseous Dysplasia. Identifiers: Orphanet 1830, MedGen C0877024, MONDO:0009458, OMIM 242900.
Kidney disorder. Also called: Kidney disease; Kidney Diseases; renal disease; renal disorder; Nephropathy. Identifiers: MedGen C0022658, MONDO:0005240, HP:0000112.

Allele frequency attached by ClinVar (database versions not stated): gnomAD exomes 0.00030; gnomAD 0.00316 and 0.00342; ESP Exome Variant Server 0.00346; TOPMed 0.00352; 1000 Genomes Project 0.00379; 1000 Genomes Project 30x 0.00406.
gnomAD v4.1: 933 of 1,614,138 alleles (0.058%); highest among the groups gnomAD compares: African/African-American, 1.1%; 3 homozygotes.

Submissions (6):

CeGaT Center for Human Genetics Tuebingen
Classification: Likely benign. Last evaluated: 2026-07-01. Review status: criteria provided, single submitter. Criteria: CeGaT Center For Human Genetics Tuebingen Variant Classification Criteria Version 2. Collection method: clinical testing. Allele origin: germline. Affected: yes. Observed: 1 variant allele.
Comment: SMARCAL1: BS1

Labcorp Genetics (formerly Invitae), Labcorp
Classification: Benign for Schimke immuno-osseous dysplasia. Last evaluated: 2026-01-31. Review status: criteria provided, single submitter. Criteria: Invitae Variant Classification Sherloc (09022015). Collection method: clinical testing. Allele origin: germline.

Blueprint Genetics
Classification: Likely benign. Last evaluated: 2024-11-15. Review status: criteria provided, single submitter. Criteria: ACMG Guidelines, 2015. Collection method: clinical testing. Allele origin: germline.

Genome Diagnostics Laboratory, The Hospital for Sick Children
Classification: Uncertain significance for Kidney disorder. Last evaluated: 2017-02-13. Review status: criteria provided, single submitter. Criteria: ACMG Guidelines, 2015. Collection method: clinical testing. Allele origin: germline.

Breakthrough Genomics
Classification: Benign. Review status: criteria provided, single submitter. Criteria: ACMG Guidelines, 2015. Collection method: not provided. Allele origin: germline. Inheritance: Autosomal recessive inheritance. Affected: yes.

Natera, Inc.
Classification: Benign for Schimke immuno-osseous dysplasia. Last evaluated: 2020-06-26. Review status: no assertion criteria provided. Collection method: clinical testing. Allele origin: germline. Not counted in ClinVar's aggregate classification.